The following is an entry in ClinVar:

NM_001278431.2(C1QTNF5):c.36G>A (p.Leu12=)

Genes: C1QTNF5 (C1q and TNF related 5; minus strand), MFRP (membrane frizzled-related protein; minus strand). Cytogenetic location: 11q23.3.
Variant type: single nucleotide variant.
Coding change: c.36G>A on transcript NM_001278431.2 (MANE Select); coding-DNA position 36, G replaced by A.
Protein change: p.Leu12=; no amino-acid change (leucine 12 retained).
Molecular consequence: synonymous variant. On other transcripts: 3 prime UTR variant (1).
Genome position (GRCh38, 1-based): chr11:119,340,362, C>T on the plus strand (G>A on the coding strand, the complement: C1QTNF5 is on the minus strand). VCF-style: chr11-119340362-C-T. GRCh37 (hg19) VCF-style: chr11-119211072-C-T.
Other names: c.36G>A, p.Leu12= (NM_015645.5); c.*932G>A (NM_031433.4); c.36G>A (NM_001278431.1).
Identifiers: ClinVar variation 1623468 (VCV001623468.10), dbSNP rs534690569, ClinGen allele CA6320006.

ClinVar aggregate classification (germline): Benign/Likely benign. Review status: criteria provided, multiple submitters, no conflicts (2 of 4 stars). 3 submissions from 3 submitters: Benign (2); Likely benign (1). Last evaluated 2026-03-31.

Conditions:
C1QTNF5-related disorder. Also called: C1QTNF5-related condition.

Allele frequency attached by ClinVar (database versions not stated): gnomAD exomes 0.00002 and 0.00012; ExAC 0.00007.
gnomAD v4.1: 30 of 1,544,052 alleles (0.0019%); highest among the groups gnomAD compares: East Asian, 0.064%; no homozygotes.

Submissions (3):

PreventionGenetics, part of Exact Sciences
Classification: Likely benign for C1QTNF5-related condition. Last evaluated: 2026-03-31. Review status: criteria provided, single submitter. Criteria: ACMG Guidelines, 2015. Collection method: clinical testing. Allele origin: germline.
Comment: This variant is classified as likely benign based on ACMG/AMP sequence variant interpretation guidelines (Richards et al. 2015 PMID: 25741868, with internal and published modifications).

Labcorp Genetics (formerly Invitae), Labcorp
Classification: Benign. Last evaluated: 2025-07-28. Review status: criteria provided, single submitter. Criteria: Invitae Variant Classification Sherloc (09022015). Collection method: clinical testing. Allele origin: germline.

Blueprint Genetics
Classification: Benign. Last evaluated: 2023-10-02. Review status: criteria provided, single submitter. Criteria: ACMG Guidelines, 2015. Collection method: clinical testing. Allele origin: germline.